The following is an entry in ClinVar:

NM_001235.5(SERPINH1):c.547G>A (p.Gly183Ser)

Gene: SERPINH1 (serpin family H member 1; plus strand). Cytogenetic location: 11q13.5.
Variant type: single nucleotide variant.
Coding change: c.547G>A on transcript NM_001235.5 (MANE Select); coding-DNA position 547, G replaced by A.
Protein change: p.Gly183Ser; replaces glycine 183 with serine.
Molecular consequence: missense variant.
Genome position (GRCh38, 1-based): chr11:75,566,896, G>A. VCF-style: chr11-75566896-G-A. GRCh37 (hg19) VCF-style: chr11-75277941-G-A.
Other names: c.547G>A, p.Gly183Ser (NM_001207014.3); short protein forms G183S.
Identifiers: ClinVar variation 1425510 (VCV001425510.6), dbSNP rs758606932, ClinGen allele CA6190837.

ClinVar aggregate classification (germline): Uncertain significance (1 of 4 stars; one submission).

Allele frequency attached by ClinVar (database versions not stated): gnomAD 0.00002.
gnomAD v4.1: 32 of 1,608,774 alleles (0.002%); highest among the groups gnomAD compares: Non-Finnish European, 0.0026%; no homozygotes.

Submission:

Labcorp Genetics (formerly Invitae), Labcorp
Classification: Uncertain significance. Last evaluated: 2025-12-08. Review status: criteria provided, single submitter. Criteria: Invitae Variant Classification Sherloc (09022015). Collection method: clinical testing. Allele origin: germline.
Comment: This sequence change replaces glycine, which is neutral and non-polar, with serine, which is neutral and polar, at codon 183 of the SERPINH1 protein (p.Gly183Ser). This variant is present in population databases (rs758606932, gnomAD 0.002%). This variant has not been reported in the literature in individuals affected with SERPINH1-related conditions. ClinVar contains an entry for this variant (Variation ID: 1425510). Invitae Evidence Modeling of protein sequence and biophysical properties (such as structural, functional, and spatial information, amino acid conservation, physicochemical variation, residue mobility, and thermodynamic stability) indicates that this missense variant is not expected to disrupt SERPINH1 protein function with a negative predictive value of 80%. In summary, the available evidence is currently insufficient to determine the role of this variant in disease. Therefore, it has been classified as a Variant of Uncertain Significance.